The following is an entry in ClinVar:

NM_000419.5(ITGA2B):c.2822G>A (p.Trp941Ter)

Gene: ITGA2B (integrin subunit alpha 2b; minus strand). Cytogenetic location: 17q21.31.
Variant type: single nucleotide variant.
Coding change: c.2822G>A on transcript NM_000419.5 (MANE Select); coding-DNA position 2822, G replaced by A.
Protein change: p.Trp941Ter; replaces tryptophan 941 with a stop codon.
Molecular consequence: nonsense.
Genome position (GRCh38, 1-based): chr17:44,375,017, C>T on the plus strand (G>A on the coding strand, the complement: ITGA2B is on the minus strand). VCF-style: chr17-44375017-C-T. GRCh37 (hg19) VCF-style: chr17-42452385-C-T.
Other names: NM_000419.5:c.2822G>A; short protein forms W941*.
Identifiers: ClinVar variation 4088266 (VCV004088266.1).

ClinVar aggregate classification (germline): Pathogenic (3 of 4 stars; one submission).

Conditions:
Glanzmann thrombasthenia. Also called: BLEEDING DISORDER, PLATELET-TYPE, 2; THROMBASTHENIA OF GLANZMANN AND NAEGELI; PLATELET GLYCOPROTEIN IIb-IIIa DEFICIENCY; Thrombasthenia; Glanzmann's thrombasthenia. Identifiers: Orphanet 849, MedGen C0040015, MONDO:0100326.

Submission:

ClinGen Platelet Disorders Variant Curation Expert Panel, ClinGen
Classification: Pathogenic for Glanzmann thrombasthenia. Last evaluated: 2025-06-19. Review status: reviewed by expert panel. Criteria: ClinGen Platelet ACMG Specifications v2-1. Collection method: curation. Allele origin: germline. Inheritance: Autosomal recessive inheritance.
Comment: The c.2822G>A (p.Trp941Ter) variant in exon 27 is a nonsense variant predicted cause a premature stop codon in biologically-relevant-exon 27/30 and is predicted to lead to nonsense mediated decay in a gene in which loss-of-function is an established mechanism (PVS1). This variant is absent from gnomAD v4.1 (PM2_Supporting). At least one patient (Proband in PMID: 40126091) with this variant displayed mucocutaneous bleeding and impaired aggregation with all agonists except ristocetin, which is highly specific for Glanzmann thrombasthenia. (PP4_moderate). In summary, this variant meets the criteria to be classified as Pathogenic for autosomal recessive Glanzmann Thrombasthenia based on the ACMG/AMP criteria applied, as specified by the ClinGen PD VCEP: (PVS1, PP4_Moderate, PM2_supporting). (VCEP specifications version 2; date of approval 05/14/2025)